The following is an entry in ClinVar:

ClinVar aggregate classification (germline): Conflicting classifications of pathogenicity. Review status: criteria provided, conflicting classifications (1 of 4 stars). 8 submissions from 5 submitters: Uncertain significance (4); Likely benign (4). Last evaluated 2025-10-28.

Conditions:
Cardiovascular phenotype. Identifiers: MedGen CN230736.
Cardiomyopathy (CMYO). Also called: Cardiomyopathies. Identifiers: Orphanet 167848, MedGen C0878544, MONDO:0004994, HP:0001638. Inheritance: Various modes of inheritance.
MYH7-related skeletal myopathy. Also called: Myopathy, distal, 1; MYOPATHY, DISTAL, EARLY-ONSET, AUTOSOMAL DOMINANT; MYOPATHY, LATE DISTAL HEREDITARY; Laing distal myopathy; Laing early-onset distal myopathy. Identifiers: Orphanet 59135, MedGen C4552004, MONDO:0008050, OMIM 160500.
Dilated cardiomyopathy 1S (CMD1S). Identifiers: Orphanet 154, Orphanet 54260, MedGen C1834481, MONDO:0013262, OMIM 613426.
Myosin storage myopathy (CMYO7A). Also called: MYOPATHY, HYALINE BODY, AUTOSOMAL DOMINANT; Scapuloperoneal myopathy, MYH7-related; MYOPATHY WITH LYSIS OF TYPE I MYOFIBRILS; SCAPULOPERONEAL MUSCULAR DYSTROPHY; SCAPULOPERONEAL SYNDROME, MYOPATHIC TYPE; MYH7-related late-onset scapuloperoneal muscular dystrophy. Identifiers: Orphanet 437572, Orphanet 636965, MedGen C1842160, MONDO:0008409, OMIM 608358.
Hypertrophic cardiomyopathy 1 (CMH1). Also called: Familial hypertrophic cardiomyopathy 1; MYH7-Related Familial Hypertrophic Cardiomyopathy. Identifiers: MedGen C3495498, MONDO:0008647, OMIM 192600.
Hypertrophic cardiomyopathy. Also called: HYPERTROPHIC MYOCARDIOPATHY. Identifiers: Orphanet 217569, MedGen C0007194, MeSH D002312, MONDO:0005045, HP:0001639.

Allele frequency attached by ClinVar (database versions not stated): TOPMed below 0.00001; gnomAD 0.00001.
gnomAD v4.1: 3 of 1,614,114 alleles (0.00019%); highest among the groups gnomAD compares: Non-Finnish European, 0.00025%; no homozygotes.

Submissions (8):

Labcorp Genetics (formerly Invitae), Labcorp
Classification: Likely benign for Hypertrophic cardiomyopathy. Last evaluated: 2025-10-28. Review status: criteria provided, single submitter. Criteria: Invitae Variant Classification Sherloc (09022015). Collection method: clinical testing. Allele origin: germline.

All of Us Research Program, National Institutes of Health
Classification: Likely benign for Cardiomyopathy. Last evaluated: 2024-05-14. Review status: criteria provided, single submitter. Criteria: ACMG Guidelines, 2015. Collection method: clinical testing. Allele origin: germline. Inheritance: Autosomal dominant inheritance. Observed: 2 variant alleles, 2 heterozygotes.
Comment: This study involves interpretation of variants in research participants for the purpose of population health screening. Participant phenotype was not available at the time of variant classification. Additional details can be found in publication PMID: 35346344, PMCID: PMC8962531

Ambry Genetics
Classification: Likely benign for Cardiovascular phenotype. Last evaluated: 2023-05-27. Review status: criteria provided, single submitter. Criteria: Ambry Variant Classification Scheme 2023. Collection method: clinical testing. Allele origin: germline.

Color Diagnostics, LLC DBA Color Health
Classification: Likely benign for Cardiomyopathy. Last evaluated: 2020-02-18. Review status: criteria provided, single submitter. Criteria: ACMG Guidelines, 2015. Collection method: clinical testing. Allele origin: germline.

Illumina Laboratory Services, Illumina
Classification: Uncertain significance for Myosin storage myopathy. Last evaluated: 2018-01-13. Review status: criteria provided, single submitter. Criteria: ICSL Variant Classification Criteria 13 December 2019. Collection method: clinical testing. Allele origin: germline.

Illumina Laboratory Services, Illumina
Classification: Uncertain significance for MYH7-related skeletal myopathy. Last evaluated: 2018-01-13. Review status: criteria provided, single submitter. Criteria: ICSL Variant Classification Criteria 13 December 2019. Collection method: clinical testing. Allele origin: germline.

Illumina Laboratory Services, Illumina
Classification: Uncertain significance for Hypertrophic cardiomyopathy 1. Last evaluated: 2018-01-13. Review status: criteria provided, single submitter. Criteria: ICSL Variant Classification Criteria 13 December 2019. Collection method: clinical testing. Allele origin: germline.

Illumina Laboratory Services, Illumina
Classification: Uncertain significance for Dilated cardiomyopathy 1S. Last evaluated: 2018-01-13. Review status: criteria provided, single submitter. Criteria: ICSL Variant Classification Criteria 13 December 2019. Collection method: clinical testing. Allele origin: germline.

NM_000257.4(MYH7):c.3934C>T (p.Leu1312=)

Gene: MYH7 (myosin heavy chain 7; minus strand). Cytogenetic location: 14q11.2.
Variant type: single nucleotide variant.
Coding change: c.3934C>T on transcript NM_000257.4 (MANE Select); coding-DNA position 3934, C replaced by T.
Protein change: p.Leu1312=; no amino-acid change (leucine 1312 retained).
Molecular consequence: synonymous variant.
Genome position (GRCh38, 1-based): chr14:23,419,215, G>A on the plus strand (C>T on the coding strand, the complement: MYH7 is on the minus strand). VCF-style: chr14-23419215-G-A. GRCh37 (hg19) VCF-style: chr14-23888424-G-A.
Other names: c.3934C>T (LRG_384t1).
Identifiers: ClinVar variation 312901 (VCV000312901.20), dbSNP rs886050419, ClinGen allele CA10645054.